The following is an entry in ClinVar:

NM_000038.6(APC):c.895T>A (p.Ser299Thr)

Gene: APC (APC regulator of Wnt signaling pathway; plus strand). Cytogenetic location: 5q22.2.
Variant type: single nucleotide variant.
Coding change: c.895T>A on transcript NM_000038.6 (MANE Select); coding-DNA position 895, T replaced by A.
Protein change: p.Ser299Thr; replaces serine 299 with threonine.
Molecular consequence: missense variant.
Genome position (GRCh38, 1-based): chr5:112,815,555, T>A. VCF-style: chr5-112815555-T-A. GRCh37 (hg19) VCF-style: chr5-112151252-T-A.
Other names: c.820T>A, p.Ser274Thr (NM_001354904.2, NM_001354898.2); c.718T>A, p.Ser240Thr (NM_001354905.2, NM_001354900.2, NM_001354901.2); c.46T>A, p.Ser16Thr (NM_001354906.2); c.895T>A, p.Ser299Thr (NM_001127510.3, NM_001354895.2, NM_001354896.2 and 1 more transcripts); c.841T>A, p.Ser281Thr (NM_001127511.3); c.925T>A, p.Ser309Thr (NM_001354897.2, NM_001354902.2); c.811T>A, p.Ser271Thr (NM_001354899.2); short protein forms S281T, S299T, S16T, S274T, S240T, S271T, S309T.
Identifiers: ClinVar variation 411498 (VCV000411498.23), dbSNP rs763630775, ClinGen allele CA051068.

ClinVar aggregate classification (germline): Conflicting classifications of pathogenicity. Review status: criteria provided, conflicting classifications (1 of 4 stars). 7 submissions from 7 submitters: Uncertain significance (4); Likely benign (2). 1 of the submissions does not count toward it. Last evaluated 2025-12-17.

Conditions:
Hereditary cancer-predisposing syndrome. Also called: Tumor predisposition; Hereditary Cancer Syndrome; Hereditary neoplastic syndrome; Neoplastic Syndromes, Hereditary. Identifiers: Orphanet 140162, MedGen C0027672, MeSH D009386, MONDO:0015356.
Familial adenomatous polyposis 1 (FAP1). Also called: FAMILIAL ADENOMATOUS POLYPOSIS 1, ATTENUATED; POLYPOSIS, ADENOMATOUS INTESTINAL. Identifiers: MedGen C2713442, MONDO:0021056, OMIM 175100. Disease mechanism: loss of function.

Allele frequency attached by ClinVar (database versions not stated): gnomAD below 0.00001 and 0.00003; gnomAD exomes 0.00001; TOPMed 0.00001; ExAC 0.00002.
gnomAD v4.1: 24 of 1,612,174 alleles (0.0015%); highest among the groups gnomAD compares: South Asian, 0.021%; no homozygotes.

Submissions (7):

Labcorp Genetics (formerly Invitae), Labcorp
Classification: Uncertain significance for Familial adenomatous polyposis 1. Last evaluated: 2025-12-17. Review status: criteria provided, single submitter. Criteria: Invitae Variant Classification Sherloc (09022015). Collection method: clinical testing. Allele origin: germline.
Comment: This sequence change replaces serine, which is neutral and polar, with threonine, which is neutral and polar, at codon 299 of the APC protein (p.Ser299Thr). This variant is present in population databases (rs763630775, gnomAD 0.006%). This variant has not been reported in the literature in individuals affected with APC-related conditions. ClinVar contains an entry for this variant (Variation ID: 411498). Invitae Evidence Modeling of protein sequence and biophysical properties (such as structural, functional, and spatial information, amino acid conservation, physicochemical variation, residue mobility, and thermodynamic stability) indicates that this missense variant is not expected to disrupt APC protein function with a negative predictive value of 95%. In summary, the available evidence is currently insufficient to determine the role of this variant in disease. Therefore, it has been classified as a Variant of Uncertain Significance.

Color Diagnostics, LLC DBA Color Health
Classification: Likely benign for Hereditary cancer-predisposing syndrome. Last evaluated: 2025-11-24. Review status: criteria provided, single submitter. Criteria: ACMG Guidelines, 2015. Collection method: clinical testing. Allele origin: germline.

Baylor Genetics
Classification: Uncertain significance for Familial adenomatous polyposis 1. Last evaluated: 2023-09-27. Review status: criteria provided, single submitter. Criteria: ACMG Guidelines, 2015. Collection method: clinical testing. Allele origin: unknown.

Myriad Genetics, Inc.
Classification: Uncertain significance for Familial adenomatous polyposis 1. Last evaluated: 2023-02-14. Review status: criteria provided, single submitter. Criteria: Myriad Autosomal Dominant, Autosomal Recessive and X-Linked Classification Criteria (2023). Collection method: clinical testing. Allele origin: unknown.
Comment: This variant is classified as a variant of uncertain significance as there is insufficient evidence to determine its impact on protein function and/or cancer risk.

Ambry Genetics
Classification: Likely benign for Hereditary cancer-predisposing syndrome. Last evaluated: 2022-01-31. Review status: criteria provided, single submitter. Criteria: Ambry Variant Classification Scheme 2023. Collection method: clinical testing. Allele origin: germline.

GeneDx
Classification: Uncertain significance. Last evaluated: 2021-10-20. Review status: criteria provided, single submitter. Criteria: GeneDx Variant Classification Process June 2021. Collection method: clinical testing. Allele origin: germline. Affected: yes.
Comment: Not observed at significant frequency in large population cohorts (Lek et al., 2016); In silico analysis supports that this missense variant does not alter protein structure/function; Has not been previously published as pathogenic or benign to our knowledge

Counsyl
Classification: Uncertain significance for Familial adenomatous polyposis 1. Last evaluated: 2017-12-18. Review status: no assertion criteria provided. Collection method: clinical testing. Allele origin: unknown. Not counted in ClinVar's aggregate classification.